The following is an entry in ClinVar:

ClinVar aggregate classification (germline): Likely benign. Review status: criteria provided, multiple submitters, no conflicts (2 of 4 stars). 2 submissions from 2 submitters: Likely benign (2). Last evaluated 2025-09-14.

Allele frequency attached by ClinVar (database versions not stated): gnomAD 0.00009; TOPMed 0.00012; ExAC 0.00018.
gnomAD v4.1: 92 of 1,609,708 alleles (0.0057%); highest among the groups gnomAD compares: Admixed American, 0.027%; no homozygotes.

Submissions (2):

Labcorp Genetics (formerly Invitae), Labcorp
Classification: Likely benign. Last evaluated: 2025-09-14. Review status: criteria provided, single submitter. Criteria: Invitae Variant Classification Sherloc (09022015). Collection method: clinical testing. Allele origin: germline.

CeGaT Center for Human Genetics Tuebingen
Classification: Likely benign. Last evaluated: 2024-01-01. Review status: criteria provided, single submitter. Criteria: CeGaT Center For Human Genetics Tuebingen Variant Classification Criteria Version 2. Collection method: clinical testing. Allele origin: germline. Affected: yes. Observed: 1 variant allele.
Comment: CEP135: BP4, BP7

NM_025009.5(CEP135):c.3315C>T (p.Tyr1105=)

Gene: CEP135 (centrosomal protein 135; plus strand). Cytogenetic location: 4q12.
Variant type: single nucleotide variant.
Coding change: c.3315C>T on transcript NM_025009.5 (MANE Select); coding-DNA position 3315, C replaced by T.
Protein change: p.Tyr1105=; no amino-acid change (tyrosine 1105 retained).
Molecular consequence: synonymous variant.
Genome position (GRCh38, 1-based): chr4:56,020,775, C>T. VCF-style: chr4-56020775-C-T. GRCh37 (hg19) VCF-style: chr4-56886941-C-T.
Identifiers: ClinVar variation 1895611 (VCV001895611.27), dbSNP rs746579770, ClinGen allele CA2928385.
Genomic context (GRCh38, chr4:56,020,775, plus strand): 5'-AGTGGCACAGTTACAAACAGATTATGATGCTCTGAAAAGGCAGATCTCAACTGAAAGATA[C>T]GAACGGTAAGACAAATTTTTTTTACATTTGACAATGTTTTTATGTGTTCTCTATTGTACT-3'
Protein context (NP_079285.2, residues 1095-1115): ALKRQISTER[Tyr1105=]ERERAIQEMR